The following is an entry in ClinVar:

NM_033028.5(BBS4):c.186_187del (p.Gln63fs)

Gene: BBS4 (Bardet-Biedl syndrome 4; plus strand). Cytogenetic location: 15q24.1.
Variant type: Deletion.
Coding change: c.186_187del on transcript NM_033028.5 (MANE Select); coding-DNA positions 186 to 187, 2 bases deleted (TC; older notation c.186_187delTC).
Protein change: p.Gln63fs; shifts the reading frame from glutamine 63.
Molecular consequence: frameshift variant. On other transcripts: 5 prime UTR variant (1), non-coding transcript variant (2).
Genome position (GRCh38, 1-based): chr15:72,712,273-72,712,274, TC deleted; deleting any 2 consecutive bases within chr15:72,712,272-72,712,274 gives the same sequence; the c. name uses the placement nearest the transcript's 3' end. VCF-style (leftmost placement, unchanged base first): chr15-72712271-ACT-A. GRCh37 (hg19) VCF-style: chr15-73004612-ACT-A.
Other names: c.-336_-335del (NM_001252678.2); c.186_187del, p.Gln63fs (NM_001320665.2); short protein forms Q63fs.
Identifiers: ClinVar variation 2845740 (VCV002845740.3), dbSNP rs2542940466, ClinGen allele CA2739269558.

ClinVar aggregate classification (germline): Pathogenic (1 of 4 stars; one submission).

Conditions:
Bardet-Biedl syndrome (BBS). Identifiers: Orphanet 110, MedGen C0752166, MONDO:0015229.

Submission:

Labcorp Genetics (formerly Invitae), Labcorp
Classification: Pathogenic for Bardet-Biedl syndrome. Last evaluated: 2023-03-14. Review status: criteria provided, single submitter. Criteria: Invitae Variant Classification Sherloc (09022015). Collection method: clinical testing. Allele origin: germline.
Comment: For these reasons, this variant has been classified as Pathogenic. This variant has not been reported in the literature in individuals affected with BBS4-related conditions. This variant is not present in population databases (gnomAD no frequency). This sequence change creates a premature translational stop signal (p.Gln63Glyfs*4) in the BBS4 gene. It is expected to result in an absent or disrupted protein product. Loss-of-function variants in BBS4 are known to be pathogenic (PMID: 11381270, 12016587, 20177705, 27894351).

Literature cited by the submitters: PubMed 11381270; PubMed 12016587; PubMed 20177705; PubMed 27894351.